The following is an entry in ClinVar:

NM_001283009.2(RTEL1):c.2634C>G (p.Ile878Met)

Genes: RTEL1 (regulator of telomere elongation helicase 1; plus strand), RTEL1-TNFRSF6B (RTEL1-TNFRSF6B readthrough (NMD candidate); plus strand). Cytogenetic location: 20q13.33.
Variant type: single nucleotide variant.
Coding change: c.2634C>G on transcript NM_001283009.2 (MANE Select); coding-DNA position 2634, C replaced by G.
Protein change: p.Ile878Met; replaces isoleucine 878 with methionine.
Molecular consequence: missense variant. On other transcripts: non-coding transcript variant (1).
Genome position (GRCh38, 1-based): chr20:63,691,819, C>G. VCF-style: chr20-63691819-C-G. GRCh37 (hg19) VCF-style: chr20-62323172-C-G.
Other names: c.2634C>G, p.Ile878Met (NM_016434.4); c.2706C>G, p.Ile902Met (NM_032957.5); c.1965C>G, p.Ile655Met (NM_001283010.1); short protein forms I902M, I655M, I878M.
Identifiers: ClinVar variation 2925375 (VCV002925375.4), dbSNP rs778004637, ClinGen allele CA9965437.

ClinVar aggregate classification (germline): Uncertain significance. Review status: criteria provided, multiple submitters, no conflicts (2 of 4 stars). 2 submissions from 2 submitters: Uncertain significance (2). Last evaluated 2024-12-20.

Conditions:
Inborn genetic diseases. Identifiers: MedGen C0950123, MeSH D030342.
Dyskeratosis congenita, autosomal recessive 5 (DKCB5). Identifiers: MedGen C3554656, MONDO:0014076, OMIM 615190.
Pulmonary fibrosis and/or bone marrow failure, Telomere-related, 3. Also called: PULMONARY FIBROSIS AND/OR BONE MARROW FAILURE SYNDROME, TELOMERE-RELATED, 3. Identifiers: Orphanet 2032, MedGen C4225346, MONDO:0014613, OMIM 616373.

Allele frequency attached by ClinVar (database versions not stated): ExAC 0.00001; gnomAD exomes 0.00001.
gnomAD v4.1: 4 of 1,611,592 alleles (0.00025%); highest among the groups gnomAD compares: East Asian, 0.0022%; no homozygotes.

Submissions (2):

Ambry Genetics
Classification: Uncertain significance for Inborn genetic diseases. Last evaluated: 2024-12-20. Review status: criteria provided, single submitter. Criteria: Ambry Variant Classification Scheme 2023. Collection method: clinical testing. Allele origin: germline.
Comment: The p.I878M variant (also known as c.2634C>G), located in coding exon 27 of the RTEL1 gene, results from a C to G substitution at nucleotide position 2634. The isoleucine at codon 878 is replaced by methionine, an amino acid with highly similar properties. This amino acid position is conserved. In addition, this alteration is predicted to be tolerated by in silico analysis. Based on the available evidence, the clinical significance of this variant remains unclear.

Labcorp Genetics (formerly Invitae), Labcorp
Classification: Uncertain significance for Dyskeratosis congenita, autosomal recessive 5; Pulmonary fibrosis and/or bone marrow failure, Telomere-related, 3. Last evaluated: 2024-09-08. Review status: criteria provided, single submitter. Criteria: Invitae Variant Classification Sherloc (09022015). Collection method: clinical testing. Allele origin: germline.
Comment: This sequence change replaces isoleucine, which is neutral and non-polar, with methionine, which is neutral and non-polar, at codon 878 of the RTEL1 protein (p.Ile878Met). This variant is present in population databases (rs778004637, gnomAD 0.006%). This variant has not been reported in the literature in individuals affected with RTEL1-related conditions. An algorithm developed to predict the effect of missense changes on protein structure and function (PolyPhen-2) suggests that this variant is likely to be disruptive. In summary, the available evidence is currently insufficient to determine the role of this variant in disease. Therefore, it has been classified as a Variant of Uncertain Significance.